The following is an entry in ClinVar:

NM_000018.4(ACADVL):c.1838_1839delinsAA (p.Arg613Gln)

Gene: ACADVL (acyl-CoA dehydrogenase very long chain; plus strand). Cytogenetic location: 17p13.1.
Variant type: Indel.
Coding change: c.1838_1839delinsAA on transcript NM_000018.4 (MANE Select); coding-DNA positions 1838 to 1839, GG replaced by AA.
Protein change: p.Arg613Gln; replaces arginine 613 with glutamine.
Molecular consequence: missense variant.
Genome position (GRCh38, 1-based): chr17:7,224,967-7,224,968, GG replaced by AA. VCF-style: chr17-7224967-GG-AA. GRCh37 (hg19) VCF-style: chr17-7128286-GG-AA.
Other names: c.1838_1839delinsAA (NM_000018.3); c.1772_1773delinsAA, p.Arg591Gln (NM_001033859.3); c.1907_1908delinsAA, p.Arg636Gln (NM_001270447.2); c.1610_1611delinsAA, p.Arg537Gln (NM_001270448.2); short protein forms R591Q, R613Q, R537Q, R636Q.
Identifiers: ClinVar variation 2725474 (VCV002725474.5), dbSNP rs2508373035, ClinGen allele CA2697559359.
Genomic context (GRCh38, chr17:7,224,967, plus strand): 5'-TCAGGTGAGGGCTGGAGGTGCAGGCCCAACCCCTCCTTCCCTCTCCCCAGGCTGCAGCTC[GG>AA]ATCCGAGAGGGCATGGCCGCCCTGCAGTCTGACCCCTGGCAGCAAGAGCTCTACCGCAAC-3'
Protein context (NP_000009.1, residues 603-623): CDTWCIEAAA[Arg613Gln]IREGMAALQS

ClinVar aggregate classification (germline): Pathogenic/Likely pathogenic. Review status: criteria provided, multiple submitters, no conflicts (2 of 4 stars). 3 submissions from 3 submitters: Pathogenic (2); Likely pathogenic (1). Last evaluated 2025-06-25.

Conditions:
Very long chain acyl-CoA dehydrogenase deficiency (ACADVLD). Also called: Very Long-Chain Acyl-Coenzyme A Dehydrogenase Deficiency; VLCAD Deficiency. Identifiers: Orphanet 26793, MedGen C3887523, MONDO:0008723, OMIM 201475.

Submissions (3):

Natera, Inc.
Classification: Likely pathogenic for Very long chain acyl-CoA dehydrogenase deficiency. Last evaluated: 2025-06-25. Review status: criteria provided, single submitter. Criteria: Natera Variant Classification Schema (03/2026). Collection method: clinical testing. Allele origin: germline.
Comment: The c.1838_1839delinsAA variant in ACADVL is a deletion-insertion (delins) variant predicted to replace one or more nucleotides with a different sequence. This variant is rare in the general population with a frequency below the threshold expected for the associated phenotype(s). Another variant at this same site results in an alteration predicted to cause a similar molecular effect has been observed in individual(s) with the associated phenotype. A different variant at the same position has been determined to be Pathogenic or Likely Pathogenic. Computational prediction algorithms indicate this variant is likely to affect gene or protein function. Given the available evidence, this variant is classified as Likely Pathogenic.

Women's Health and Genetics/Laboratory Corporation of America, LabCorp
Classification: Pathogenic for Very long chain acyl-CoA dehydrogenase deficiency. Last evaluated: 2024-04-05. Review status: criteria provided, single submitter. Criteria: LabCorp Variant Classification Summary - May 2015. Collection method: clinical testing. Allele origin: germline.
Comment: Variant summary: ACADVL c.1838_1839delinsAA (p.Arg613Gln) results in a conservative amino acid change located in the ACAD9/ACADV-like, C-terminal domain (IPR049448) of the encoded protein sequence. Two of four in-silico tools predict a benign effect of the variant on protein function. The variant allele was found at a frequency of 7.1e-06 in 282484 control chromosomes (gnomAD). Other variants affecting this residue have been determined to be pathogenic, including one that results in the same amino acid change. ClinVar contains an entry for this variant (Variation ID: 2725474). Based on the evidence outlined above, the variant was classified as pathogenic.

Labcorp Genetics (formerly Invitae), Labcorp
Classification: Pathogenic for Very long chain acyl-CoA dehydrogenase deficiency. Last evaluated: 2024-01-22. Review status: criteria provided, single submitter. Criteria: Invitae Variant Classification Sherloc (09022015). Collection method: clinical testing. Allele origin: germline.
Comment: This sequence change replaces arginine, which is basic and polar, with glutamine, which is neutral and polar, at codon 613 of the ACADVL protein (p.Arg613Gln). This variant is present in population databases (no rsID available, gnomAD 0.0007%). This missense change has been observed in individual(s) with very long-chain acyl-CoA dehydrogenase deficiency (PMID: 30194637, 32710939, 35281659). An algorithm developed to predict the effect of missense changes on protein structure and function (PolyPhen-2) suggests that this variant is likely to be disruptive. This variant disrupts the p.Arg613 amino acid residue in ACADVL. Other variant(s) that disrupt this residue have been determined to be pathogenic (PMID: 17999356, 18670371, 23430950, 26881790, 28755359). This suggests that this residue is clinically significant, and that variants that disrupt this residue are likely to be disease-causing. For these reasons, this variant has been classified as Pathogenic.

Literature cited by the submitters: PubMed 30194637 (cited by Labcorp Genetics (formerly Invitae), Labcorp); PubMed 32710939 (cited by Labcorp Genetics (formerly Invitae), Labcorp); PubMed 35281659 (cited by Labcorp Genetics (formerly Invitae), Labcorp); PubMed 17999356 (cited by Labcorp Genetics (formerly Invitae), Labcorp); PubMed 18670371 (cited by Labcorp Genetics (formerly Invitae), Labcorp); PubMed 23430950 (cited by Labcorp Genetics (formerly Invitae), Labcorp); PubMed 26881790 (cited by Labcorp Genetics (formerly Invitae), Labcorp); PubMed 28755359 (cited by Labcorp Genetics (formerly Invitae), Labcorp).